The following is an entry in ClinVar:

ClinVar aggregate classification (germline): Likely pathogenic. Review status: criteria provided, multiple submitters, no conflicts (2 of 4 stars). 3 submissions from 3 submitters: Likely pathogenic (3). Last evaluated 2024-12-06.

Conditions:
Cardiovascular phenotype. Identifiers: MedGen CN230736.
Hereditary cancer-predisposing syndrome. Also called: Tumor predisposition; Hereditary Cancer Syndrome; Neoplastic Syndromes, Hereditary; Hereditary neoplastic syndrome. Identifiers: Orphanet 140162, MedGen C0027672, MeSH D009386, MONDO:0015356.

Allele frequency attached by ClinVar (database versions not stated): TOPMed below 0.00001.

Submissions (3):

Labcorp Genetics (formerly Invitae), Labcorp
Classification: Likely pathogenic. Last evaluated: 2024-12-06. Review status: criteria provided, single submitter. Criteria: Invitae Variant Classification Sherloc (09022015). Collection method: clinical testing. Allele origin: germline.
Comment: This sequence change affects an acceptor splice site in intron 2 of the LZTR1 gene. It is expected to disrupt RNA splicing. Variants that disrupt the donor or acceptor splice site typically lead to a loss of protein function (PMID: 16199547), and loss-of-function variants in LZTR1 are known to be pathogenic (PMID: 24362817, 25335493, 25480913, 25795793, 29469822, 30368668, 30442762, 30442766, 30481304, 30859559). This variant is not present in population databases (gnomAD no frequency). This variant has not been reported in the literature in individuals affected with LZTR1-related conditions. ClinVar contains an entry for this variant (Variation ID: 1794206). Algorithms developed to predict the effect of sequence changes on RNA splicing suggest that this variant may disrupt the consensus splice site. In summary, the currently available evidence indicates that the variant is pathogenic, but additional data are needed to prove that conclusively. Therefore, this variant has been classified as Likely Pathogenic.

GeneDx
Classification: Likely pathogenic. Last evaluated: 2023-05-08. Review status: criteria provided, single submitter. Criteria: GeneDx Variant Classification Process June 2021. Collection method: clinical testing. Allele origin: germline. Affected: yes.
Comment: Canonical splice site variant predicted to result in an in-frame loss of the adjacent exon in a gene for which loss of function is a known mechanism of disease; Not observed in large population cohorts (gnomAD); Has not been previously published as pathogenic or benign to our knowledge

Ambry Genetics
Classification: Likely pathogenic for Cardiovascular phenotype; Hereditary cancer-predisposing syndrome. Last evaluated: 2021-12-30. Review status: criteria provided, single submitter. Criteria: Ambry Variant Classification Scheme 2023. Collection method: clinical testing. Allele origin: germline.
Comment: The c.264-2A>C intronic variant results from an A to C substitution two nucleotides upstream from coding exon 3 in the LZTR1 gene. Alterations that disrupt the canonical splice site are expected to cause aberrant splicing, resulting in an abnormal protein or a transcript that is subject to nonsense-mediated mRNA decay. In silico splice site analysis predicts that this alteration will weaken the native splice acceptor site. The resulting transcript is predicted to be in-frame and is not expected to trigger nonsense-mediated mRNA decay; however, direct evidence is insufficient (Ambry internal data). This variant is considered to be rare based on population cohorts in the Genome Aggregation Database (gnomAD). This nucleotide position is highly conserved in available vertebrate species. Based on the supporting evidence, this variant is likely pathogenic for an increased risk of nerve sheath tumors and would be expected to cause autosomal recessive Noonan syndrome when present along with a second pathogenic or likely pathogenic variant on the other allele.

Literature cited by the submitters: PubMed 16199547 (cited by Labcorp Genetics (formerly Invitae), Labcorp); PubMed 24362817 (cited by Labcorp Genetics (formerly Invitae), Labcorp); PubMed 25335493 (cited by Labcorp Genetics (formerly Invitae), Labcorp); PubMed 25480913 (cited by Labcorp Genetics (formerly Invitae), Labcorp); PubMed 25795793 (cited by Labcorp Genetics (formerly Invitae), Labcorp); PubMed 29469822 (cited by Labcorp Genetics (formerly Invitae), Labcorp); PubMed 30368668 (cited by Labcorp Genetics (formerly Invitae), Labcorp); PubMed 30442762 (cited by Labcorp Genetics (formerly Invitae), Labcorp); PubMed 30442766 (cited by Labcorp Genetics (formerly Invitae), Labcorp); PubMed 30481304 (cited by Labcorp Genetics (formerly Invitae), Labcorp); PubMed 30859559 (cited by Labcorp Genetics (formerly Invitae), Labcorp).

NM_006767.4(LZTR1):c.264-2A>C

Gene: LZTR1 (leucine zipper like post translational regulator 1; plus strand). Cytogenetic location: 22q11.21.
Variant type: single nucleotide variant.
Coding change: c.264-2A>C on transcript NM_006767.4 (MANE Select); the canonical splice acceptor site of the intron before coding-DNA position 264, A replaced by C.
Molecular consequence: splice acceptor variant.
Genome position (GRCh38, 1-based): chr22:20,985,839, A>C. VCF-style: chr22-20985839-A-C. GRCh37 (hg19) VCF-style: chr22-21340128-A-C.
Identifiers: ClinVar variation 1794206 (VCV001794206.8), dbSNP rs1601715859, ClinGen allele CA410778755.